The following is an entry in ClinVar:

ClinVar aggregate classification (germline): Pathogenic (1 of 4 stars; one submission).

gnomAD v4.1: 6 of 1,613,268 alleles (0.00037%); highest among the groups gnomAD compares: South Asian, 0.0011%; no homozygotes.

Submission:

Labcorp Genetics (formerly Invitae), Labcorp
Classification: Pathogenic. Last evaluated: 2026-01-14. Review status: criteria provided, single submitter. Criteria: Invitae Variant Classification Sherloc (09022015). Collection method: clinical testing. Allele origin: germline.
Comment: This sequence change creates a premature translational stop signal (p.Ser731*) in the OBSL1 gene. It is expected to result in an absent or disrupted protein product. Loss-of-function variants in OBSL1 are known to be pathogenic (PMID: 19481195, 19877176). This variant is present in population databases (rs200051215, gnomAD 0.003%). This variant has not been reported in the literature in individuals affected with OBSL1-related conditions. For these reasons, this variant has been classified as Pathogenic.

Literature cited by the submitters: PubMed 19481195; PubMed 19877176.

NM_015311.3(OBSL1):c.2192C>G (p.Ser731Ter)

Gene: OBSL1 (obscurin like cytoskeletal adaptor 1; minus strand). Cytogenetic location: 2q35.
Variant type: single nucleotide variant.
Coding change: c.2192C>G on transcript NM_015311.3 (MANE Select); coding-DNA position 2192, C replaced by G.
Protein change: p.Ser731Ter; replaces serine 731 with a stop codon.
Molecular consequence: nonsense.
Genome position (GRCh38, 1-based): chr2:219,565,457, G>C on the plus strand (C>G on the coding strand, the complement: OBSL1 is on the minus strand). VCF-style: chr2-219565457-G-C. GRCh37 (hg19) VCF-style: chr2-220430179-G-C.
Other names: c.2192C>G, p.Ser731Ter (NM_001173408.2, NM_001173431.2); short protein forms S731*.
Identifiers: ClinVar variation 4696657 (VCV004696657.1).
Genomic context (GRCh38, chr2:219,565,457, plus strand): 5'-TTGTACCAGGTTGCCGGGAAGTCCACCCTTGAGAGCTCACAAGTCAGCACCACCCGCTCT[G>C]AGGTTGTGAAGGTCAACGACACCCTGTCCTGGGGGCTCAGGATGTGCACCGGGCTCTCTG-3'